The following is an entry in ClinVar:

ClinVar aggregate classification (germline): Uncertain significance (1 of 4 stars; one submission).

Conditions:
Inborn genetic diseases. Identifiers: MedGen C0950123, MeSH D030342.

Submission:

Ambry Genetics
Classification: Uncertain significance for Inborn genetic diseases. Last evaluated: 2026-08-24. Review status: criteria provided, single submitter. Criteria: Ambry Variant Classification Scheme 2023. Collection method: clinical testing. Allele origin: germline.
Comment: The p.K135R variant (also known as c.404A>G), located in coding exon 3 of the MRAS gene, results from an A to G substitution at nucleotide position 404. The lysine at codon 135 is replaced by arginine, an amino acid with highly similar properties. This amino acid position is conserved. In addition, the in silico prediction for this alteration is inconclusive. Based on the available evidence, the clinical significance of this variant remains unclear.

NM_001085049.3(MRAS):c.404A>G (p.Lys135Arg)

Gene: MRAS (muscle RAS oncogene homolog; plus strand). Cytogenetic location: 3q22.3.
Variant type: single nucleotide variant.
Coding change: c.404A>G on transcript NM_001085049.3 (MANE Select); coding-DNA position 404, A replaced by G.
Protein change: p.Lys135Arg; replaces lysine 135 with arginine.
Molecular consequence: missense variant.
Genome position (GRCh38, 1-based): chr3:138,398,525, A>G. VCF-style: chr3-138398525-A-G. GRCh37 (hg19) VCF-style: chr3-138117367-A-G.
Other names: c.404A>G, p.Lys135Arg (NM_001252090.2, NM_012219.4); c.176A>G, p.Lys59Arg (NM_001252091.1, NM_001252092.2, NM_001252093.2); short protein forms K59R, K135R.
Identifiers: ClinVar variation 5024674 (VCV005024674.1).